The following is an entry in ClinVar:

ClinVar aggregate classification (germline): Uncertain significance. Review status: criteria provided, multiple submitters, no conflicts (2 of 4 stars). 2 submissions from 2 submitters: Uncertain significance (2). Last evaluated 2022-09-19.

Conditions:
Inborn genetic diseases. Identifiers: MedGen C0950123, MeSH D030342.
Predisposition to invasive fungal disease due to CARD9 deficiency (IMD103). Also called: Candidiasis, familial, 2, autosomal recessive; IMMUNODEFICIENCY 103, SUSCEPTIBILITY TO FUNGAL INFECTIONS; CARD9 IMMUNODEFICIENCY. Identifiers: Orphanet 457088, MedGen C1859353, MONDO:0008905, OMIM 212050.

Allele frequency attached by ClinVar (database versions not stated): ESP Exome Variant Server 0.00008; TOPMed 0.00012; gnomAD 0.00022.
gnomAD v4.1: 345 of 1,569,004 alleles (0.022%); highest among the groups gnomAD compares: Non-Finnish European, 0.027%; no homozygotes.

Submissions (2):

Labcorp Genetics (formerly Invitae), Labcorp
Classification: Uncertain significance for Predisposition to invasive fungal disease due to CARD9 deficiency. Last evaluated: 2022-09-19. Review status: criteria provided, single submitter. Criteria: Invitae Variant Classification Sherloc (09022015). Collection method: clinical testing. Allele origin: germline.
Comment: This sequence change replaces glutamic acid, which is acidic and polar, with glutamine, which is neutral and polar, at codon 523 of the CARD9 protein (p.Glu523Gln). This variant is present in population databases (rs144943839, gnomAD 0.02%). This variant has not been reported in the literature in individuals affected with CARD9-related conditions. ClinVar contains an entry for this variant (Variation ID: 646780). Algorithms developed to predict the effect of missense changes on protein structure and function (SIFT, PolyPhen-2, Align-GVGD) all suggest that this variant is likely to be tolerated. In summary, the available evidence is currently insufficient to determine the role of this variant in disease. Therefore, it has been classified as a Variant of Uncertain Significance.

Ambry Genetics
Classification: Uncertain significance for Inborn genetic diseases. Last evaluated: 2021-08-02. Review status: criteria provided, single submitter. Criteria: Ambry Variant Classification Scheme 2023. Collection method: clinical testing. Allele origin: germline.

NM_052813.5(CARD9):c.1567G>C (p.Glu523Gln)

Gene: CARD9 (caspase recruitment domain family member 9; minus strand). Cytogenetic location: 9q34.3.
Variant type: single nucleotide variant.
Coding change: c.1567G>C on transcript NM_052813.5 (MANE Select); coding-DNA position 1567, G replaced by C.
Protein change: p.Glu523Gln; replaces glutamic acid 523 with glutamine.
Molecular consequence: missense variant. On other transcripts: intron variant (1).
Genome position (GRCh38, 1-based): chr9:136,364,346, C>G on the plus strand (G>C on the coding strand, the complement: CARD9 is on the minus strand). VCF-style: chr9-136364346-C-G. GRCh37 (hg19) VCF-style: chr9-139258798-C-G.
Other names: c.1442-184G>C (NM_052814.4); short protein forms E523Q.
Identifiers: ClinVar variation 646780 (VCV000646780.9), dbSNP rs144943839, ClinGen allele CA5332576.